The following is an entry in ClinVar:

ClinVar aggregate classification (germline): Likely benign. Review status: criteria provided, single submitter (1 of 4 stars). 2 submissions from 2 submitters: Likely benign (1). 1 of the submissions does not count toward it. Last evaluated 2025-12-10.

Conditions:
ANO6-related disorder. Also called: ANO6-related condition.

Allele frequency attached by ClinVar (database versions not stated): gnomAD exomes 0.00002; ExAC 0.00004; gnomAD 0.00002; TOPMed 0.00005.
gnomAD v4.1: 27 of 1,612,738 alleles (0.0017%); highest among the groups gnomAD compares: Admixed American, 0.035%; no homozygotes.

Submissions (2):

Labcorp Genetics (formerly Invitae), Labcorp
Classification: Likely benign. Last evaluated: 2025-12-10. Review status: criteria provided, single submitter. Criteria: Invitae Variant Classification Sherloc (09022015). Collection method: clinical testing. Allele origin: germline.

PreventionGenetics, part of Exact Sciences
Classification: Likely benign for ANO6-related condition. Last evaluated: 2021-03-01. Review status: no assertion criteria provided. Collection method: clinical testing. Allele origin: germline. Not counted in ClinVar's aggregate classification.
Comment: This variant is classified as likely benign based on ACMG/AMP sequence variant interpretation guidelines (Richards et al. 2015 PMID: 25741868, with internal and published modifications).

NM_001025356.3(ANO6):c.1401C>T (p.Ile467=)

Gene: ANO6 (anoctamin 6; plus strand). Cytogenetic location: 12q12.
Variant type: single nucleotide variant.
Coding change: c.1401C>T on transcript NM_001025356.3 (MANE Select); coding-DNA position 1401, C replaced by T.
Protein change: p.Ile467=; no amino-acid change (isoleucine 467 retained).
Molecular consequence: synonymous variant.
Genome position (GRCh38, 1-based): chr12:45,401,809, C>T. VCF-style: chr12-45401809-C-T. GRCh37 (hg19) VCF-style: chr12-45795592-C-T.
Other names: c.1401C>T (NM_001025356.2); c.1347C>T, p.Ile449= (NM_001142678.2); c.1401C>T, p.Ile467= (NM_001142679.2); c.1464C>T, p.Ile488= (NM_001204803.2); c.1368C>T, p.Ile456= (NM_001410973.1).
Identifiers: ClinVar variation 2718680 (VCV002718680.5), dbSNP rs753739050, ClinGen allele CA6525353.
Genomic context (GRCh38, chr12:45,401,809, plus strand): 5'-GCAGTTATTGGTGAGTCTCATGCTACTGTGTTTGTTGTGCTTTCAGATCCTATTGATCAT[C>T]GCTTCAGTTATTGGGATCATTGTCTATAGGCTCTCGGTGTTCATTGTATTTTCTGCAAAA-3'
Protein context (NP_001020527.2, residues 457-477): SAVFFWILLI[Ile467=]ASVIGIIVYR